The following is an entry in ClinVar:

ClinVar aggregate classification (germline): Likely benign (1 of 4 stars; one submission).

Conditions:
Acyl-CoA oxidase deficiency. Also called: STRAIGHT-CHAIN ACYL-CoA OXIDASE DEFICIENCY; Pseudoneonatal adrenoleukodystrophy; Peroxisomal acyl-CoA oxidase deficiency. Identifiers: Orphanet 2971, MedGen C1849678, MONDO:0009919, OMIM 264470. Disease mechanism: loss of function.

Allele frequency attached by ClinVar (database versions not stated): 1000 Genomes Project 0.00459; gnomAD 0.00550 and 0.00587; 1000 Genomes Project 30x 0.00562; TOPMed 0.00622; gnomAD exomes 0.01042.
gnomAD v4.1: 828 of 152,430 alleles (0.54%); highest among the groups gnomAD compares: African/African-American, 1.6%; 5 homozygotes.

Submission:

Illumina Laboratory Services, Illumina
Classification: Likely benign for Acyl-CoA oxidase deficiency. Last evaluated: 2018-01-13. Review status: criteria provided, single submitter. Criteria: ICSL Variant Classification Criteria 13 December 2019. Collection method: clinical testing. Allele origin: germline.
Comment: This variant was observed in the ICSL laboratory as part of a predisposition screen in an ostensibly healthy population. It had not been previously curated by ICSL or reported in the Human Gene Mutation Database (HGMD: prior to June 1st, 2018), and was therefore a candidate for classification through an automated scoring system. Utilizing variant allele frequency, disease prevalence and penetrance estimates, and inheritance mode, an automated score was calculated to assess if this variant is too frequent to cause the disease. Based on the score and internal cut-off values, a variant classified as likely benign is not then subjected to further curation. The score for this variant resulted in a classification of likely benign for this disease.

NM_004035.7(ACOX1):c.*5134A>G

Gene: ACOX1 (acyl-CoA oxidase 1; minus strand). Cytogenetic location: 17q25.1.
Variant type: single nucleotide variant.
Coding change: c.*5134A>G on transcript NM_004035.7 (MANE Select); 5134 bases downstream of the stop codon, A replaced by G.
Molecular consequence: 3 prime UTR variant.
Genome position (GRCh38, 1-based): chr17:75,941,614, T>C on the plus strand (A>G on the coding strand, the complement: ACOX1 is on the minus strand). VCF-style: chr17-75941614-T-C. GRCh37 (hg19) VCF-style: chr17-73937695-T-C.
Other names: c.*5134A>G (NM_001185039.2, NM_007292.6).
Identifiers: ClinVar variation 325293 (VCV000325293.5), dbSNP rs116309575, ClinGen allele CA10646820.